The following is an entry in ClinVar:

NM_198559.2(CATIP):c.170C>T (p.Ser57Leu)

Genes: CATIP (ciliogenesis associated TTC17 interacting protein; plus strand), CATIP-AS2 (CATIP antisense RNA 2; minus strand). Cytogenetic location: 2q35.
Variant type: single nucleotide variant.
Coding change: c.170C>T on transcript NM_198559.2 (MANE Select); coding-DNA position 170, C replaced by T.
Protein change: p.Ser57Leu; replaces serine 57 with leucine.
Molecular consequence: missense variant.
Genome position (GRCh38, 1-based): chr2:218,357,585, C>T. VCF-style: chr2-218357585-C-T. GRCh37 (hg19) VCF-style: chr2-219222308-C-T.
Other names: c.203C>T, p.Ser68Leu (NM_001320865.2); short protein forms S68L, S57L.
Identifiers: ClinVar variation 2469760 (VCV002469760.18), dbSNP rs142157169, ClinGen allele CA2104323.

ClinVar aggregate classification (germline): Uncertain significance. Review status: criteria provided, multiple submitters, no conflicts (2 of 4 stars). 2 submissions from 2 submitters: Uncertain significance (2). Last evaluated 2025-05-20.

Allele frequency attached by ClinVar (database versions not stated): 1000 Genomes Project 0.00020; ExAC 0.00033; 1000 Genomes Project 30x 0.00047; gnomAD 0.00047; TOPMed 0.00050; gnomAD exomes 0.00083; ESP Exome Variant Server 0.00092.
gnomAD v4.1: 1,293 of 1,614,066 alleles (0.08%); highest among the groups gnomAD compares: Non-Finnish European, 0.1%; 3 homozygotes.

Submissions (2):

Ambry Genetics
Classification: Uncertain significance. Last evaluated: 2025-05-20. Review status: criteria provided, single submitter. Criteria: Ambry Variant Classification Scheme 2023. Collection method: clinical testing. Allele origin: germline.

CeGaT Center for Human Genetics Tuebingen
Classification: Uncertain significance. Last evaluated: 2024-08-01. Review status: criteria provided, single submitter. Criteria: CeGaT Center For Human Genetics Tuebingen Variant Classification Criteria Version 2. Collection method: clinical testing. Allele origin: germline. Affected: yes. Observed: 1 variant allele.
Comment: CATIP: PM2, BP4